The following is an entry in ClinVar:

Conditions:
Breast-ovarian cancer, familial, susceptibility to, 1 (BROVCA1). Also called: BRCA1 Hereditary Breast and Ovarian Cancer; OVARIAN CANCER, SUSCEPTIBILITY TO. Identifiers: Orphanet 145, MedGen C2676676, MONDO:0011450, OMIM 604370. Disease mechanism: loss of function.

Submission:

Brotman Baty Institute, University of Washington
No classification provided (evidence only). Condition: Breast-ovarian cancer, familial 1. Review status: no classification provided. Collection method: in vitro. Allele origin: not applicable. Functional consequence: functionally_normal.
ClinVar note: "not provided" was previously submitted as the classification for the variant. However, the classification appeared to be based only on an observation of functional data so it was converted to no classification on 2025-07-30.

NM_007294.4(BRCA1):c.95A>C (p.Lys32Thr)

Gene: BRCA1 (BRCA1 DNA repair associated; minus strand). Cytogenetic location: 17q21.31.
Variant type: single nucleotide variant.
Coding change: c.95A>C on transcript NM_007294.4 (MANE Select); coding-DNA position 95, A replaced by C.
Protein change: p.Lys32Thr; replaces lysine 32 with threonine.
Molecular consequence: missense variant. On other transcripts: non-coding transcript variant (1), intron variant (1).
Genome position (GRCh38, 1-based): chr17:43,115,765, T>G on the plus strand (A>C on the coding strand, the complement: BRCA1 is on the minus strand). VCF-style: chr17-43115765-T-G. GRCh37 (hg19) VCF-style: chr17-41267782-T-G.
Other names: c.95A>C, p.Lys32Thr (NM_001407675.1, NM_001407676.1, NM_001407677.1 and 192 more transcripts); c.-163A>C (NM_001407694.1, NM_001407696.1, NM_001407724.1 and 13 more transcripts); c.-167A>C (NM_001407695.1, NM_001408465.1); c.-47A>C (NM_001407697.1, NM_001407725.1, NM_001407728.1 and 47 more transcripts); c.-43A>C (NM_001407841.1); c.-94A>C (NM_001407853.1, NM_001407879.1, NM_001407882.1 and 52 more transcripts); c.-210A>C (NM_001407889.1, NM_001407900.1, NM_001408492.1); c.-209A>C (NM_001407960.1, NM_001407962.1, NM_001408510.1 and 1 more transcripts); and 2 more; short protein forms K32T.
Identifiers: ClinVar variation 867795 (VCV000867795.3), dbSNP rs2055258563, ClinGen allele CA10601964.